The following is an entry in ClinVar:

NM_000521.4(HEXB):c.978G>C (p.Leu326=)

Gene: HEXB (hexosaminidase subunit beta; plus strand). Cytogenetic location: 5q13.3.
Variant type: single nucleotide variant.
Coding change: c.978G>C on transcript NM_000521.4 (MANE Select); coding-DNA position 978, G replaced by C.
Protein change: p.Leu326=; no amino-acid change (leucine 326 retained).
Molecular consequence: synonymous variant.
Genome position (GRCh38, 1-based): chr5:74,715,586, G>C. VCF-style: chr5-74715586-G-C. GRCh37 (hg19) VCF-style: chr5-74011411-G-C.
Other names: c.303G>C, p.Leu101= (NM_001292004.2).
Identifiers: ClinVar variation 496014 (VCV000496014.14), dbSNP rs138261300, ClinGen allele CA3305997.

ClinVar aggregate classification (germline): Likely benign. Review status: criteria provided, multiple submitters, no conflicts (2 of 4 stars). 3 submissions from 3 submitters: Likely benign (3). Last evaluated 2026-08-25.

Conditions:
HEXB-related disorder. Also called: HEXB-related condition.
Sandhoff disease. Also called: GM2-GANGLIOSIDOSIS, TYPE II; HEXOSAMINIDASES A AND B DEFICIENCY; Beta-hexosaminidase-beta-subunit deficiency; GM2 gangliosidosis, type 2; Total hexosaminidase deficiency; Sandhoff-Jatzkewitz-Pilz disease. Identifiers: Orphanet 796, MedGen C0036161, MONDO:0010006, OMIM 268800.

Allele frequency attached by ClinVar (database versions not stated): ExAC 0.00007; gnomAD exomes 0.00010 and 0.00020; gnomAD 0.00011; TOPMed 0.00013; ESP Exome Variant Server 0.00015; 1000 Genomes Project 30x 0.00031; 1000 Genomes Project 0.00040.
gnomAD v4.1: 304 of 1,610,368 alleles (0.019%); highest among the groups gnomAD compares: Non-Finnish European, 0.024%; no homozygotes.

Submissions (3):

PreventionGenetics, part of Exact Sciences
Classification: Likely benign for HEXB-related condition. Last evaluated: 2026-08-25. Review status: criteria provided, single submitter. Criteria: ACMG Guidelines, 2015. Collection method: clinical testing. Allele origin: germline.
Comment: This variant is classified as likely benign based on ACMG/AMP sequence variant interpretation guidelines (Richards et al. 2015 PMID: 25741868, with internal and published modifications).

Labcorp Genetics (formerly Invitae), Labcorp
Classification: Likely benign for Sandhoff disease. Last evaluated: 2026-01-24. Review status: criteria provided, single submitter. Criteria: Invitae Variant Classification Sherloc (09022015). Collection method: clinical testing. Allele origin: germline.

Women's Health and Genetics/Laboratory Corporation of America, LabCorp
Classification: Likely benign. Last evaluated: 2019-08-28. Review status: criteria provided, single submitter. Criteria: LabCorp Variant Classification Summary - May 2015. Collection method: clinical testing. Allele origin: germline.